The following is an entry in ClinVar:

ClinVar aggregate classification (germline): Uncertain significance. Review status: criteria provided, multiple submitters, no conflicts (2 of 4 stars). 2 submissions from 2 submitters: Uncertain significance (2). Last evaluated 2025-11-08.

Conditions:
Inborn genetic diseases. Identifiers: MedGen C0950123, MeSH D030342.

Allele frequency attached by ClinVar (database versions not stated): gnomAD exomes below 0.00001.
gnomAD v4.1: 3 of 1,608,886 alleles (0.00019%); highest among the groups gnomAD compares: Non-Finnish European, 0.00026%; no homozygotes.

Submissions (2):

GeneDx
Classification: Uncertain significance. Last evaluated: 2025-11-08. Review status: criteria provided, single submitter. Criteria: GeneDx Variant Classification Process June 2021. Collection method: clinical testing. Allele origin: germline.
Comment: Not observed at significant frequency in large population cohorts (gnomAD); In silico analysis supports that this missense variant has a deleterious effect on protein structure/function; Has not been previously published as pathogenic or benign to our knowledge

Ambry Genetics
Classification: Uncertain significance for Inborn genetic diseases. Last evaluated: 2023-05-31. Review status: criteria provided, single submitter. Criteria: Ambry Variant Classification Scheme 2023. Collection method: clinical testing. Allele origin: germline.

NM_005573.4(LMNB1):c.1400G>C (p.Gly467Ala)

Gene: LMNB1 (lamin B1; plus strand). Cytogenetic location: 5q23.2.
Variant type: single nucleotide variant.
Coding change: c.1400G>C on transcript NM_005573.4 (MANE Select); coding-DNA position 1400, G replaced by C.
Protein change: p.Gly467Ala; replaces glycine 467 with alanine.
Molecular consequence: missense variant. On other transcripts: non-coding transcript variant (2).
Genome position (GRCh38, 1-based): chr5:126,822,794, G>C. VCF-style: chr5-126822794-G-C. GRCh37 (hg19) VCF-style: chr5-126158486-G-C.
Other names: c.770G>C, p.Gly257Ala (NM_001198557.2); short protein forms G257A, G467A.
Identifiers: ClinVar variation 2554385 (VCV002554385.4), dbSNP rs2479550780, ClinGen allele CA360728283.